The following is an entry in ClinVar:

ClinVar aggregate classification (germline): Conflicting classifications of pathogenicity. Review status: criteria provided, conflicting classifications (1 of 4 stars). 3 submissions from 3 submitters: Uncertain significance (1); Likely benign (2). Last evaluated 2026-02-01.

Allele frequency attached by ClinVar (database versions not stated): gnomAD exomes 0.00001; ExAC 0.00002; gnomAD 0.00004; TOPMed 0.00004; ESP Exome Variant Server 0.00015.
gnomAD v4.1: 16 of 1,596,362 alleles (0.001%); highest among the groups gnomAD compares: African/African-American, 0.019%; no homozygotes.

Submissions (3):

CeGaT Center for Human Genetics Tuebingen
Classification: Likely benign. Last evaluated: 2026-02-01. Review status: criteria provided, single submitter. Criteria: CeGaT Center For Human Genetics Tuebingen Variant Classification Criteria Version 2. Collection method: clinical testing. Allele origin: germline. Affected: yes. Observed: 1 variant allele.
Comment: NLRP1: BP4

Labcorp Genetics (formerly Invitae), Labcorp
Classification: Likely benign. Last evaluated: 2024-12-12. Review status: criteria provided, single submitter. Criteria: Invitae Variant Classification Sherloc (09022015). Collection method: clinical testing. Allele origin: germline.

Blueprint Genetics
Classification: Uncertain significance. Last evaluated: 2023-05-26. Review status: criteria provided, single submitter. Criteria: ACMG Guidelines, 2015. Collection method: clinical testing. Allele origin: germline.

NM_033004.4(NLRP1):c.2961-5T>C

Gene: NLRP1 (NLR family pyrin domain containing 1; minus strand). Cytogenetic location: 17p13.2.
Variant type: single nucleotide variant.
Coding change: c.2961-5T>C on transcript NM_033004.4 (MANE Select); 5 bases into the intron before coding-DNA position 2961, T replaced by C.
Molecular consequence: intron variant.
Genome position (GRCh38, 1-based): chr17:5,533,993, A>G on the plus strand (T>C on the coding strand, the complement: NLRP1 is on the minus strand). VCF-style: chr17-5533993-A-G. GRCh37 (hg19) VCF-style: chr17-5437313-A-G.
Other names: c.2961-5T>C (NM_001033053.3, NM_014922.5); c.2871-5T>C (NM_033007.4, NM_033006.4).
Identifiers: ClinVar variation 1353066 (VCV001353066.11), dbSNP rs369480925, ClinGen allele CA8326979.